The following is an entry in ClinVar:

NM_004793.4(LONP1):c.94C>T (p.Pro32Ser)

Gene: LONP1 (lon peptidase 1, mitochondrial; minus strand). Cytogenetic location: 19p13.3.
Variant type: single nucleotide variant.
Coding change: c.94C>T on transcript NM_004793.4 (MANE Select); coding-DNA position 94, C replaced by T.
Protein change: p.Pro32Ser; replaces proline 32 with serine.
Molecular consequence: missense variant. On other transcripts: intron variant (1).
Genome position (GRCh38, 1-based): chr19:5,720,039, G>A on the plus strand (C>T on the coding strand, the complement: LONP1 is on the minus strand). VCF-style: chr19-5720039-G-A. GRCh37 (hg19) VCF-style: chr19-5720050-G-A.
Other names: c.94C>T, p.Pro32Ser (NM_001276479.2); c.-160+180C>T (NM_001276480.1); short protein forms P32S.
Identifiers: ClinVar variation 2114489 (VCV002114489.4), dbSNP rs1225214798, ClinGen allele CA403544607.

ClinVar aggregate classification (germline): Uncertain significance (1 of 4 stars; one submission).

gnomAD v4.1: 1 of 1,550,738 alleles (0.000064%); no homozygotes.

Submission:

Labcorp Genetics (formerly Invitae), Labcorp
Classification: Uncertain significance. Last evaluated: 2022-06-29. Review status: criteria provided, single submitter. Criteria: Invitae Variant Classification Sherloc (09022015). Collection method: clinical testing. Allele origin: germline.
Comment: In summary, the available evidence is currently insufficient to determine the role of this variant in disease. Therefore, it has been classified as a Variant of Uncertain Significance. Algorithms developed to predict the effect of missense changes on protein structure and function (SIFT, PolyPhen-2, Align-GVGD) all suggest that this variant is likely to be tolerated. This variant has not been reported in the literature in individuals affected with LONP1-related conditions. This variant is not present in population databases (gnomAD no frequency). This sequence change replaces proline, which is neutral and non-polar, with serine, which is neutral and polar, at codon 32 of the LONP1 protein (p.Pro32Ser).